The following is an entry in ClinVar:

NM_006662.3(SRCAP):c.6158G>A (p.Arg2053Gln)

Gene: SRCAP (Snf2 related CREBBP activator protein; plus strand). Cytogenetic location: 16p11.2.
Variant type: single nucleotide variant.
Coding change: c.6158G>A on transcript NM_006662.3 (MANE Select); coding-DNA position 6158, G replaced by A.
Protein change: p.Arg2053Gln; replaces arginine 2053 with glutamine.
Molecular consequence: missense variant.
Genome position (GRCh38, 1-based): chr16:30,733,310, G>A. VCF-style: chr16-30733310-G-A. GRCh37 (hg19) VCF-style: chr16-30744631-G-A.
Other names: short protein forms R2053Q.
Identifiers: ClinVar variation 1910343 (VCV001910343.5), dbSNP rs773605958, ClinGen allele CA8012178.

ClinVar aggregate classification (germline): Uncertain significance (1 of 4 stars; one submission).

Allele frequency attached by ClinVar (database versions not stated): gnomAD 0.00001; gnomAD exomes 0.00002; ExAC 0.00006.
gnomAD v4.1: 27 of 1,613,880 alleles (0.0017%); highest among the groups gnomAD compares: South Asian, 0.023%; no homozygotes.

Submission:

Labcorp Genetics (formerly Invitae), Labcorp
Classification: Uncertain significance. Last evaluated: 2023-01-01. Review status: criteria provided, single submitter. Criteria: Invitae Variant Classification Sherloc (09022015). Collection method: clinical testing. Allele origin: germline.
Comment: This sequence change replaces arginine, which is basic and polar, with glutamine, which is neutral and polar, at codon 2053 of the SRCAP protein (p.Arg2053Gln). This variant is present in population databases (rs773605958, gnomAD 0.03%). This variant has not been reported in the literature in individuals affected with SRCAP-related conditions. Algorithms developed to predict the effect of missense changes on protein structure and function (SIFT, PolyPhen-2, Align-GVGD) all suggest that this variant is likely to be disruptive. In summary, the available evidence is currently insufficient to determine the role of this variant in disease. Therefore, it has been classified as a Variant of Uncertain Significance.